The following is an entry in ClinVar:

NM_000465.4(BARD1):c.1620A>T (p.Lys540Asn)

Gene: BARD1 (BRCA1 associated RING domain 1; minus strand). Cytogenetic location: 2q35.
Variant type: single nucleotide variant.
Coding change: c.1620A>T on transcript NM_000465.4 (MANE Select); coding-DNA position 1620, A replaced by T.
Protein change: p.Lys540Asn; replaces lysine 540 with asparagine.
Molecular consequence: missense variant. On other transcripts: non-coding transcript variant (3), intron variant (1).
Genome position (GRCh38, 1-based): chr2:214,752,504, T>A on the plus strand (A>T on the coding strand, the complement: BARD1 is on the minus strand). VCF-style: chr2-214752504-T-A. GRCh37 (hg19) VCF-style: chr2-215617228-T-A.
Other names: c.1563A>T, p.Lys521Asn (NM_001282543.2); c.267A>T, p.Lys89Asn (NM_001282545.2); c.210A>T, p.Lys70Asn (NM_001282548.2); c.365-21996A>T (NM_001282549.2); short protein forms K540N, K521N, K70N, K89N.
Identifiers: ClinVar variation 490942 (VCV000490942.25), dbSNP rs747076015, ClinGen allele CA2090210.

ClinVar aggregate classification (germline): Uncertain significance. Review status: criteria provided, multiple submitters, no conflicts (2 of 4 stars). 8 submissions from 8 submitters: Uncertain significance (8). Last evaluated 2025-09-07.

Conditions:
Familial cancer of breast. Also called: Hereditary breast cancer; BREAST CANCER, FAMILIAL; hereditary breast carcinoma. Identifiers: Orphanet 227535, MedGen C0346153, MONDO:0016419, OMIM 114480. Disease mechanism: loss of function.
BARD1-related cancer predisposition. Identifiers: MedGen CN377756, MONDO:0700267.
Hereditary cancer-predisposing syndrome. Also called: Hereditary Cancer Syndrome; Neoplastic Syndromes, Hereditary; Tumor predisposition; Hereditary neoplastic syndrome. Identifiers: Orphanet 140162, MedGen C0027672, MeSH D009386, MONDO:0015356.

Allele frequency attached by ClinVar (database versions not stated): TOPMed 0.00001.
gnomAD v4.1: 3 of 1,613,792 alleles (0.00019%); highest among the groups gnomAD compares: East Asian, 0.0067%; no homozygotes.

Submissions (8):

Labcorp Genetics (formerly Invitae), Labcorp
Classification: Uncertain significance for Familial cancer of breast. Last evaluated: 2025-09-07. Review status: criteria provided, single submitter. Criteria: Invitae Variant Classification Sherloc (09022015). Collection method: clinical testing. Allele origin: germline.
Comment: This sequence change replaces lysine, which is basic and polar, with asparagine, which is neutral and polar, at codon 540 of the BARD1 protein (p.Lys540Asn). This variant is present in population databases (rs747076015, gnomAD 0.01%). This variant has not been reported in the literature in individuals affected with BARD1-related conditions. ClinVar contains an entry for this variant (Variation ID: 490942). An algorithm developed to predict the effect of missense changes on protein structure and function (PolyPhen-2) suggests that this variant is likely to be disruptive. Experimental studies have shown that this missense change does not substantially affect BARD1 function (PMID: 30925164). In summary, the available evidence is currently insufficient to determine the role of this variant in disease. Therefore, it has been classified as a Variant of Uncertain Significance.

Color Diagnostics, LLC DBA Color Health
Classification: Uncertain significance for Hereditary cancer-predisposing syndrome. Last evaluated: 2025-02-03. Review status: criteria provided, single submitter. Criteria: ACMG Guidelines, 2015. Collection method: clinical testing. Allele origin: germline.
Comment: This missense variant replaces lysine with asparagine at codon 540 of the BARD1 protein. Computational prediction suggests that this variant may not impact protein structure and function. A functional study has shown the mutant protein to exhibit ~80% homology-directed repair activity compared to the wild type protein (PMID: 30925164). In a large breast cancer case-control study, this variant was identified in 2/60464 breast cancer cases and 1/53460 controls (PMID: 33471991). This variant has been identified in 2/251350 chromosomes in the general population by the Genome Aggregation Database (gnomAD). The available evidence is insufficient to determine the role of this variant in disease conclusively. Therefore, this variant is classified as a Variant of Uncertain Significance.

Women's Health and Genetics/Laboratory Corporation of America, LabCorp
Classification: Uncertain significance. Last evaluated: 2025-01-27. Review status: criteria provided, single submitter. Criteria: LabCorp Variant Classification Summary - May 2015. Collection method: clinical testing. Allele origin: germline.
Comment: Variant summary: BARD1 c.1620A>T (p.Lys540Asn) results in a non-conservative amino acid change located in the Ankyrin repeat-containing domain of the encoded protein sequence. Five of five in-silico tools predict a damaging effect of the variant on protein function. The variant allele was found at a frequency of 8e-06 in 251350 control chromosomes. The available data on variant occurrences in the general population are insufficient to allow any conclusion about variant significance. To our knowledge, no occurrence of c.1620A>T in individuals affected with Hereditary Breast And Ovarian Cancer Syndrome has been reported. At least one publication reports experimental evidence evaluating an impact on protein function. The most pronounced variant effect results in approximately 80-85% of normal Homology Directed Repair (HDR) activity in vitro (Adamovich_2019). The following publication have been ascertained in the context of this evaluation (PMID: 30925164). ClinVar contains an entry for this variant (Variation ID: 490942). Based on the evidence outlined above, the variant was classified as uncertain significance.

Molecular Pathology, Peter Maccallum Cancer Centre
Classification: Uncertain significance for BARD1-related cancer predisposition. Last evaluated: 2024-12-19. Review status: criteria provided, single submitter. Criteria: ACMG Guidelines, 2015. Collection method: clinical testing. Allele origin: germline. Inheritance: Autosomal dominant inheritance.

GeneDx
Classification: Uncertain significance. Last evaluated: 2024-06-03. Review status: criteria provided, single submitter. Criteria: GeneDx Variant Classification Process June 2021. Collection method: clinical testing. Allele origin: germline. Affected: yes.
Comment: Not observed at significant frequency in large population cohorts (gnomAD); In silico analysis supports that this missense variant has a deleterious effect on protein structure/function; Published functional studies suggest this variant does not significantly reduce homology-directed repair (HDR) activity compared to wildtype (PMID: 30925164); This variant is associated with the following publications: (PMID: 30925164, 33471991, 18480049)

Baylor Genetics
Classification: Uncertain significance for Familial cancer of breast. Last evaluated: 2024-01-25. Review status: criteria provided, single submitter. Criteria: ACMG Guidelines, 2015. Collection method: clinical testing. Allele origin: unknown.

Ambry Genetics
Classification: Uncertain significance for Hereditary cancer-predisposing syndrome. Last evaluated: 2023-12-08. Review status: criteria provided, single submitter. Criteria: Ambry Variant Classification Scheme 2023. Collection method: clinical testing. Allele origin: germline.
Comment: The p.K540N variant (also known as c.1620A>T), located in coding exon 7 of the BARD1 gene, results from an A to T substitution at nucleotide position 1620. The lysine at codon 540 is replaced by asparagine, an amino acid with similar properties. This amino acid position is well conserved in available vertebrate species. In addition, this alteration is predicted to be tolerated by in silico analysis. Since supporting evidence is limited at this time, the clinical significance of this alteration remains unclear.

Quest Diagnostics Nichols Institute San Juan Capistrano
Classification: Uncertain significance. Last evaluated: 2023-09-12. Review status: criteria provided, single submitter. Criteria: Quest Diagnostics criteria. Collection method: clinical testing. Allele origin: unknown.
Comment: In the published literature, this variant has been reported to have proficient homology directed repair (HDR) (PMID: 30925164 (2019)). In a large-scale breast cancer association study, the variant was observed in individuals with breast cancer as well as in an unaffected (PMID: 33471991 (2021), see also LOVD). The frequency of this variant in the general population, 0.000008 (2/251350 chromosomes (Genome Aggregation Database)), is uninformative in the assessment of its pathogenicity. Analysis of this variant using bioinformatics tools for the prediction of the effect of amino acid changes on protein structure and function yielded conflicting predictions that this variant is deleterious or benign. Based on the available information, we are unable to determine the clinical significance of this variant.

Literature cited by the submitters: PubMed 30925164 (cited by 4 submitters); PubMed 33471991 (cited by Color Diagnostics, LLC DBA Color Health and Quest Diagnostics Nichols Institute San Juan Capistrano).